The following is an entry in ClinVar:

ClinVar aggregate classification (germline): Uncertain significance. Review status: criteria provided, multiple submitters, no conflicts (2 of 4 stars). 2 submissions from 2 submitters: Uncertain significance (2). Last evaluated 2025-05-18.

Conditions:
Inborn genetic diseases. Identifiers: MedGen C0950123, MeSH D030342.

Allele frequency attached by ClinVar (database versions not stated): 1000 Genomes Project 30x 0.00016; ExAC 0.00004; 1000 Genomes Project 0.00020; gnomAD 0.00012; TOPMed 0.00012.
gnomAD v4.1: 98 of 1,614,036 alleles (0.0061%); highest among the groups gnomAD compares: Admixed American, 0.018%; no homozygotes.

Submissions (2):

Ambry Genetics
Classification: Uncertain significance for Inborn genetic diseases. Last evaluated: 2025-05-18. Review status: criteria provided, single submitter. Criteria: Ambry Variant Classification Scheme 2023. Collection method: clinical testing. Allele origin: germline.

Labcorp Genetics (formerly Invitae), Labcorp
Classification: Uncertain significance. Last evaluated: 2022-09-29. Review status: criteria provided, single submitter. Criteria: Invitae Variant Classification Sherloc (09022015). Collection method: clinical testing. Allele origin: germline.
Comment: This sequence change replaces tyrosine, which is neutral and polar, with cysteine, which is neutral and slightly polar, at codon 278 of the C8B protein (p.Tyr278Cys). This variant is present in population databases (rs367587572, gnomAD 0.04%). This variant has not been reported in the literature in individuals affected with C8B-related conditions. Algorithms developed to predict the effect of missense changes on protein structure and function output the following: SIFT: "Deleterious"; PolyPhen-2: "Benign"; Align-GVGD: "Class C0". The cysteine amino acid residue is found in multiple mammalian species, which suggests that this missense change does not adversely affect protein function. In summary, the available evidence is currently insufficient to determine the role of this variant in disease. Therefore, it has been classified as a Variant of Uncertain Significance.

NM_000066.4(C8B):c.833A>G (p.Tyr278Cys)

Gene: C8B (complement C8 beta chain; minus strand). Cytogenetic location: 1p32.2.
Variant type: single nucleotide variant.
Coding change: c.833A>G on transcript NM_000066.4 (MANE Select); coding-DNA position 833, A replaced by G.
Protein change: p.Tyr278Cys; replaces tyrosine 278 with cysteine.
Molecular consequence: missense variant.
Genome position (GRCh38, 1-based): chr1:56,949,586, T>C on the plus strand (A>G on the coding strand, the complement: C8B is on the minus strand). VCF-style: chr1-56949586-T-C. GRCh37 (hg19) VCF-style: chr1-57415259-T-C.
Other names: c.677A>G, p.Tyr226Cys (NM_001278543.2); c.647A>G, p.Tyr216Cys (NM_001278544.2); short protein forms Y216C, Y278C, Y226C.
Identifiers: ClinVar variation 2147735 (VCV002147735.3), dbSNP rs367587572, ClinGen allele CA875852.